The following is an entry in ClinVar:

ClinVar aggregate classification (germline): Likely pathogenic. Review status: criteria provided, multiple submitters, no conflicts (2 of 4 stars). 3 submissions from 3 submitters: Likely pathogenic (3). Last evaluated 2025-08-06.

Conditions:
Joubert syndrome and related disorders. Identifiers: Orphanet 140874, MedGen C5679612, MONDO:0015369.
Joubert syndrome. Also called: JOUBERT-BOLTSHAUSER SYNDROME; Familial aplasia of the vermis. Identifiers: Orphanet 475, MedGen C5979921, MONDO:0018772.
Meckel-Gruber syndrome. Also called: DYSENCEPHALIA SPLANCHNOCYSTICA; GRUBER SYNDROME; Dysencephalia splachnocystica. Identifiers: Orphanet 564, MedGen C0265215, MONDO:0018921.

Allele frequency attached by ClinVar (database versions not stated): gnomAD exomes below 0.00001; TOPMed 0.00001.
gnomAD v4.1: 3 of 1,593,694 alleles (0.00019%); highest among the groups gnomAD compares: African/African-American, 0.0013%; no homozygotes.

Submissions (3):

Myriad Genetics, Inc.
Classification: Likely pathogenic for Joubert syndrome and related disorders. Last evaluated: 2025-08-06. Review status: criteria provided, single submitter. Criteria: Myriad Autosomal Dominant, Autosomal Recessive and X-Linked Classification Criteria (2023). Collection method: clinical testing. Allele origin: unknown.
Comment: NM_001080522.2(CC2D2A):c.1466+2T>C is a variant in a canonical splice site classified as likely pathogenic in the context of CC2D2A-related disorders. c.1466+2T>C has not been observed in cases with relevant disease. Relevant functional assessments of this variant are not available in the literature. c.1466+2T>C has not been observed in referenced population frequency databases. In summary, NM_001080522.2(CC2D2A):c.1466+2T>C is a variant in a canonical splice site in a gene where loss of function is a known mechanism of disease and is predicted to disrupt protein function. Please note: this variant was assessed in the context of healthy population screening.

Labcorp Genetics (formerly Invitae), Labcorp
Classification: Likely pathogenic for Joubert syndrome; Meckel-Gruber syndrome. Last evaluated: 2023-08-24. Review status: criteria provided, single submitter. Criteria: Invitae Variant Classification Sherloc (09022015). Collection method: clinical testing. Allele origin: germline.
Comment: In summary, the currently available evidence indicates that the variant is pathogenic, but additional data are needed to prove that conclusively. Therefore, this variant has been classified as Likely Pathogenic. Algorithms developed to predict the effect of sequence changes on RNA splicing suggest that this variant may disrupt the consensus splice site. ClinVar contains an entry for this variant (Variation ID: 1324022). This variant has not been reported in the literature in individuals affected with CC2D2A-related conditions. This variant is not present in population databases (gnomAD no frequency). This sequence change affects a donor splice site in intron 14 of the CC2D2A gene. It is expected to disrupt RNA splicing. Variants that disrupt the donor or acceptor splice site typically lead to a loss of protein function (PMID: 16199547), and loss-of-function variants in CC2D2A are known to be pathogenic (PMID: 19777577).

Revvity Omics, Revvity
Classification: Likely pathogenic. Last evaluated: 2021-10-01. Review status: criteria provided, single submitter. Criteria: ACMG Guidelines, 2015. Collection method: clinical testing. Allele origin: germline.

Literature cited by the submitters: PubMed 16199547 (cited by Labcorp Genetics (formerly Invitae), Labcorp); PubMed 19777577 (cited by Labcorp Genetics (formerly Invitae), Labcorp).

NM_001378615.1(CC2D2A):c.1466+2T>C

Genes: CC2D2A (coiled-coil and C2 domain containing 2A; plus strand), FBXL5 (F-box and leucine rich repeat protein 5; minus strand). Cytogenetic location: 4p15.32.
Variant type: single nucleotide variant.
Coding change: c.1466+2T>C on transcript NM_001378615.1 (MANE Select); the canonical splice donor site of the intron after coding-DNA position 1466, T replaced by C.
Molecular consequence: splice donor variant.
Genome position (GRCh38, 1-based): chr4:15,528,728, T>C. VCF-style: chr4-15528728-T-C. GRCh37 (hg19) VCF-style: chr4-15530351-T-C.
Other names: c.1466+2T>C (NM_001080522.2); c.1319+2T>C (NM_001378617.1).
Identifiers: ClinVar variation 1324022 (VCV001324022.8), dbSNP rs770219362, ClinGen allele CA92525432.